The following is an entry in ClinVar:

NM_006031.6(PCNT):c.9110C>T (p.Ala3037Val)

Gene: PCNT (pericentrin; plus strand). Cytogenetic location: 21q22.3.
Variant type: single nucleotide variant.
Coding change: c.9110C>T on transcript NM_006031.6 (MANE Select); coding-DNA position 9110, C replaced by T.
Protein change: p.Ala3037Val; replaces alanine 3037 with valine.
Molecular consequence: missense variant.
Genome position (GRCh38, 1-based): chr21:46,438,174, C>T. VCF-style: chr21-46438174-C-T. GRCh37 (hg19) VCF-style: chr21-47858087-C-T.
Other names: c.8519C>T, p.Ala2840Val (NM_001315529.2); short protein forms A2840V, A3037V.
Identifiers: ClinVar variation 5000690 (VCV005000690.1).

ClinVar aggregate classification (germline): Uncertain significance (1 of 4 stars; one submission).

Conditions:
PCNT-related disorder. Also called: PCNT-related condition.

Submission:

PreventionGenetics, part of Exact Sciences
Classification: Uncertain significance for PCNT-related condition. Last evaluated: 2025-02-18. Review status: criteria provided, single submitter. Criteria: ACMG Guidelines, 2015. Collection method: clinical testing. Allele origin: germline.
Comment: The PCNT c.9110C>T variant is predicted to result in the amino acid substitution p.Ala3037Val. To our knowledge, this variant has not been reported in the literature or in a large population database (gnomAD), indicating this variant is rare. At this time, the clinical significance of this variant is uncertain due to the absence of conclusive functional and genetic evidence.